The following is an entry in ClinVar:

NM_001128178.3(NPHP1):c.608C>G (p.Pro203Arg)

Gene: NPHP1 (nephrocystin 1; minus strand). Cytogenetic location: 2q13.
Variant type: single nucleotide variant.
Coding change: c.608C>G on transcript NM_001128178.3 (MANE Select); coding-DNA position 608, C replaced by G.
Protein change: p.Pro203Arg; replaces proline 203 with arginine.
Molecular consequence: missense variant.
Genome position (GRCh38, 1-based): chr2:110,168,468, G>C on the plus strand (C>G on the coding strand, the complement: NPHP1 is on the minus strand). VCF-style: chr2-110168468-G-C. GRCh37 (hg19) VCF-style: chr2-110926045-G-C.
Other names: c.608C>G, p.Pro203Arg (NM_000272.5, NM_001374256.1, NM_001374257.1 and 1 more transcripts); c.422C>G, p.Pro141Arg (NM_001128179.3); short protein forms P141R, P203R.
Identifiers: ClinVar variation 2047759 (VCV002047759.4), dbSNP rs2467393883, ClinGen allele CA348092571.

ClinVar aggregate classification (germline): Uncertain significance (1 of 4 stars; one submission).

Conditions:
Nephronophthisis. Also called: Juvenile Nephronophthisis. Identifiers: Orphanet 655, MedGen C0687120, MONDO:0019005, HP:0000090.

Submission:

Labcorp Genetics (formerly Invitae), Labcorp
Classification: Uncertain significance for Nephronophthisis. Last evaluated: 2021-12-19. Review status: criteria provided, single submitter. Criteria: Invitae Variant Classification Sherloc (09022015). Collection method: clinical testing. Allele origin: germline.
Comment: This sequence change replaces proline, which is neutral and non-polar, with arginine, which is basic and polar, at codon 203 of the NPHP1 protein (p.Pro203Arg). This variant is not present in population databases (gnomAD no frequency). This variant has not been reported in the literature in individuals affected with NPHP1-related conditions. Algorithms developed to predict the effect of missense changes on protein structure and function are either unavailable or do not agree on the potential impact of this missense change (SIFT: "Deleterious"; PolyPhen-2: "Probably Damaging"; Align-GVGD: "Class C0"). In summary, the available evidence is currently insufficient to determine the role of this variant in disease. Therefore, it has been classified as a Variant of Uncertain Significance.